The following is an entry in ClinVar:

NM_002087.4(GRN):c.302G>A (p.Arg101Gln)

Gene: GRN (granulin precursor; plus strand). Cytogenetic location: 17q21.31.
Variant type: single nucleotide variant.
Coding change: c.302G>A on transcript NM_002087.4 (MANE Select); coding-DNA position 302, G replaced by A.
Protein change: p.Arg101Gln; replaces arginine 101 with glutamine.
Molecular consequence: missense variant.
Genome position (GRCh38, 1-based): chr17:44,349,704, G>A. VCF-style: chr17-44349704-G-A. GRCh37 (hg19) VCF-style: chr17-42427072-G-A.
Other names: p.Arg101Gln; c.302G>A (NM_002087.3); short protein forms R101Q.
Identifiers: ClinVar variation 587776 (VCV000587776.15), dbSNP rs201686997, ClinGen allele CA8601831.
Genomic context (GRCh38, chr17:44,349,704, plus strand): 5'-GCAGGTTTCTCTGTGTTCCACAGGCCGTGGCATGCGGGGATGGCCATCACTGCTGCCCAC[G>A]GGGCTTCCACTGCAGTGCAGACGGGCGATCCTGCTTCCAAAGATCAGGTGCAGCTGGGGT-3'
Protein context (NP_002078.1, residues 91-111): ACGDGHHCCP[Arg101Gln]GFHCSADGRS

ClinVar aggregate classification (germline): Conflicting classifications of pathogenicity. Review status: criteria provided, conflicting classifications (1 of 4 stars). 4 submissions from 4 submitters: Uncertain significance (3); Likely benign (1). Last evaluated 2025-04-30.

Conditions:
Inborn genetic diseases. Identifiers: MedGen C0950123, MeSH D030342.
Neuronal ceroid lipofuscinosis 11. Also called: GRN-Related Neuronal Ceroid-Lipofuscinosis. Identifiers: Orphanet 314629, Orphanet 79262, MedGen C3539123, MONDO:0013866, OMIM 614706.
GRN-related frontotemporal lobar degeneration with Tdp43 inclusions (FTD2). Also called: GRN Frontotemporal Dementia; FRONTOTEMPORAL DEMENTIA WITH TDP43 INCLUSIONS, GRN-RELATED; DEMENTIA, HEREDITARY DYSPHASIC DISINHIBITION; FRONTOTEMPORAL LOBAR DEGENERATION WITH UBIQUITIN-POSITIVE INCLUSIONS; FTLD-TDP, GRN-RELATED. Identifiers: Orphanet 100070, Orphanet 282, MedGen C1843792, MONDO:0011842, OMIM 607485. Disease mechanism: loss of function.

Allele frequency attached by ClinVar (database versions not stated): gnomAD exomes 0.00003; TOPMed 0.00004; ExAC 0.00005; gnomAD 0.00003 and 0.00005; 1000 Genomes Project 0.00060; 1000 Genomes Project 30x 0.00062.
gnomAD v4.1: 35 of 1,613,200 alleles (0.0022%); highest among the groups gnomAD compares: East Asian, 0.0089%; no homozygotes.

Submissions (5):

Labcorp Genetics (formerly Invitae), Labcorp
Classification: Uncertain significance for Neuronal ceroid lipofuscinosis 11; GRN-related frontotemporal lobar degeneration with Tdp43 inclusions. Last evaluated: 2025-04-30. Review status: criteria provided, single submitter. Criteria: Invitae Variant Classification Sherloc (09022015). Collection method: clinical testing. Allele origin: germline.
Comment: This sequence change replaces arginine, which is basic and polar, with glutamine, which is neutral and polar, at codon 101 of the GRN protein (p.Arg101Gln). This variant is present in population databases (rs201686997, gnomAD 0.01%). This missense change has been observed in individual(s) with GRN-related conditions (PMID: 29525178, 35217970, 35861376, 38228392). ClinVar contains an entry for this variant (Variation ID: 587776). An algorithm developed to predict the effect of missense changes on protein structure and function outputs the following: PolyPhen-2: "Benign". The glutamine amino acid residue is found in multiple mammalian species, which suggests that this missense change does not adversely affect protein function. In summary, the available evidence is currently insufficient to determine the role of this variant in disease. Therefore, it has been classified as a Variant of Uncertain Significance.

Mayo Clinic Laboratories, Mayo Clinic
Classification: Uncertain significance. Last evaluated: 2025-01-02. Review status: criteria provided, single submitter. Criteria: ACMG Guidelines, 2015. Collection method: clinical testing. Allele origin: germline. Observed: 1 variant allele.
Comment: BP4

Ambry Genetics
Classification: Likely benign for Inborn genetic diseases. Last evaluated: 2024-10-04. Review status: criteria provided, single submitter. Criteria: Ambry Variant Classification Scheme 2023. Collection method: clinical testing. Allele origin: germline.

Fulgent Genetics
Classification: Uncertain significance for GRN-related frontotemporal lobar degeneration with Tdp43 inclusions; Neuronal ceroid lipofuscinosis 11. Last evaluated: 2021-07-27. Review status: criteria provided, single submitter. Criteria: ACMG Guidelines, 2015. Collection method: clinical testing. Allele origin: unknown.

Dr. Peter K. Rogan Lab, Western University
No classification provided (evidence only). Condition: Malignant tumor of urinary bladder. Review status: no classification provided. Collection method: in vitro. Allele origin: not applicable. Functional consequence: retained intron. Not counted in ClinVar's aggregate classification.

Literature cited by the submitters: PubMed 29525178 (cited by Labcorp Genetics (formerly Invitae), Labcorp and Mayo Clinic Laboratories, Mayo Clinic); PubMed 35217970 (cited by Labcorp Genetics (formerly Invitae), Labcorp and Mayo Clinic Laboratories, Mayo Clinic); PubMed 35861376 (cited by Labcorp Genetics (formerly Invitae), Labcorp and Mayo Clinic Laboratories, Mayo Clinic); PubMed 38228392 (cited by Labcorp Genetics (formerly Invitae), Labcorp and Mayo Clinic Laboratories, Mayo Clinic).